The following is an entry in ClinVar:

NM_014476.6(PDLIM3):c.943C>T (p.Pro315Ser)

Gene: PDLIM3 (PDZ and LIM domain 3; minus strand). Cytogenetic location: 4q35.1.
Variant type: single nucleotide variant.
Coding change: c.943C>T on transcript NM_014476.6 (MANE Select); coding-DNA position 943, C replaced by T.
Protein change: p.Pro315Ser; replaces proline 315 with serine.
Molecular consequence: missense variant. On other transcripts: non-coding transcript variant (1).
Genome position (GRCh38, 1-based): chr4:185,502,446, G>A on the plus strand (C>T on the coding strand, the complement: PDLIM3 is on the minus strand). VCF-style: chr4-185502446-G-A. GRCh37 (hg19) VCF-style: chr4-186423600-G-A.
Other names: c.442C>T, p.Pro148Ser (NM_001257963.2); c.799C>T, p.Pro267Ser (NM_001114107.5); c.679C>T, p.Pro227Ser (NM_001257962.2); short protein forms P267S, P315S, P148S, P227S.
Identifiers: ClinVar variation 4794942 (VCV004794942.1).
Genomic context (GRCh38, chr4:185,502,446, plus strand): 5'-TGAAGAAGTAGCCCTTTTGCTTGAGGTTGAGGTTGCAGTCGGCACACACGAAGCACTCAG[G>A]GTGCCGGTACTTATCCCGCGCCTTCACCACAGCACCGCTGTTGGGGAAGAAAACGAGCTC-3'
Protein context (NP_055291.2, residues 305-325): VVKARDKYRH[Pro315Ser]ECFVCADCNL

ClinVar aggregate classification (germline): Uncertain significance (1 of 4 stars; one submission).

Conditions:
Primary dilated cardiomyopathy (DCM). Also called: Dilated Cardiomyopathy. Identifiers: Orphanet 217604, MedGen C0007193, MeSH D002311, MONDO:0005021, HP:0001644. Inheritance: Various modes of inheritance.
Hypertrophic cardiomyopathy. Also called: HYPERTROPHIC MYOCARDIOPATHY. Identifiers: Orphanet 217569, MedGen C0007194, MeSH D002312, MONDO:0005045, HP:0001639.

gnomAD v4.1: 4 of 1,614,052 alleles (0.00025%); highest among the groups gnomAD compares: African/African-American, 0.004%; no homozygotes.

Submission:

Labcorp Genetics (formerly Invitae), Labcorp
Classification: Uncertain significance for Hypertrophic cardiomyopathy; Primary dilated cardiomyopathy. Last evaluated: 2025-10-28. Review status: criteria provided, single submitter. Criteria: Invitae Variant Classification Sherloc (09022015). Collection method: clinical testing. Allele origin: germline.
Comment: This sequence change replaces proline, which is neutral and non-polar, with serine, which is neutral and polar, at codon 315 of the PDLIM3 protein (p.Pro315Ser). The frequency data for this variant in the population databases is considered unreliable, as metrics indicate poor data quality at this position in the gnomAD database. This variant has not been reported in the literature in individuals affected with PDLIM3-related conditions. Invitae Evidence Modeling of protein sequence and biophysical properties (such as structural, functional, and spatial information, amino acid conservation, physicochemical variation, residue mobility, and thermodynamic stability) has been performed for this missense variant. However, the output from this modeling did not meet the statistical confidence thresholds required to predict the impact of this variant on PDLIM3 protein function. In summary, the available evidence is currently insufficient to determine the role of this variant in disease. Therefore, it has been classified as a Variant of Uncertain Significance.